The following is an entry in ClinVar:

NM_000512.5(GALNS):c.716T>G (p.Val239Gly)

Gene: GALNS (galactosamine (N-acetyl)-6-sulfatase; minus strand). Cytogenetic location: 16q24.3.
Variant type: single nucleotide variant.
Coding change: c.716T>G on transcript NM_000512.5 (MANE Select); coding-DNA position 716, T replaced by G.
Protein change: p.Val239Gly; replaces valine 239 with glycine.
Molecular consequence: missense variant.
Genome position (GRCh38, 1-based): chr16:88,835,767, A>C on the plus strand (T>G on the coding strand, the complement: GALNS is on the minus strand). VCF-style: chr16-88835767-A-C. GRCh37 (hg19) VCF-style: chr16-88902175-A-C.
Other names: c.161T>G, p.Val54Gly (NM_001323543.2); c.734T>G, p.Val245Gly (NM_001323544.2); short protein forms V245G, V54G, V239G.
Identifiers: ClinVar variation 2745783 (VCV002745783.3), dbSNP rs2543535308, ClinGen allele CA397080212.

ClinVar aggregate classification (germline): Likely pathogenic (1 of 4 stars; one submission).

Conditions:
Mucopolysaccharidosis, MPS-IV-A (MPS4A). Also called: Morquio syndrome A, mild; MORQUIO SYNDROME A; GALACTOSAMINE-6-SULFATASE DEFICIENCY; GALNS DEFICIENCY; MORQUIO A DISEASE; mucopolysaccharidosis type 4A. Identifiers: Orphanet 309297, Orphanet 582, MedGen C0086651, MONDO:0009659, OMIM 253000.

Submission:

Labcorp Genetics (formerly Invitae), Labcorp
Classification: Likely pathogenic for Mucopolysaccharidosis, MPS-IV-A. Last evaluated: 2023-07-28. Review status: criteria provided, single submitter. Criteria: Invitae Variant Classification Sherloc (09022015). Collection method: clinical testing. Allele origin: germline.
Comment: In summary, the currently available evidence indicates that the variant is pathogenic, but additional data are needed to prove that conclusively. Therefore, this variant has been classified as Likely Pathogenic. This variant disrupts the p.Tyr240Cys amino acid residue in GALNS. Other variant(s) that disrupt this residue have been determined to be pathogenic (PMID: 23876334). This suggests that this residue is clinically significant, and that variants that disrupt this residue are likely to be disease-causing. Advanced modeling of protein sequence and biophysical properties (such as structural, functional, and spatial information, amino acid conservation, physicochemical variation, residue mobility, and thermodynamic stability) performed at Invitae indicates that this missense variant is expected to disrupt GALNS protein function. This variant has not been reported in the literature in individuals affected with GALNS-related conditions. This variant is not present in population databases (gnomAD no frequency). This sequence change replaces valine, which is neutral and non-polar, with glycine, which is neutral and non-polar, at codon 239 of the GALNS protein (p.Val239Gly).

Literature cited by the submitters: PubMed 23876334.